The following is an entry in ClinVar:

NM_005422.4(TECTA):c.2054G>A (p.Cys685Tyr)

Genes: TBCEL-TECTA (TBCEL-TECTA readthrough; plus strand), TECTA (tectorin alpha; plus strand). Cytogenetic location: 11q23.3.
Variant type: single nucleotide variant.
Coding change: c.2054G>A on transcript NM_005422.4 (MANE Select); coding-DNA position 2054, G replaced by A.
Protein change: p.Cys685Tyr; replaces cysteine 685 with tyrosine.
Molecular consequence: missense variant.
Genome position (GRCh38, 1-based): chr11:121,128,031, G>A. VCF-style: chr11-121128031-G-A. GRCh37 (hg19) VCF-style: chr11-120998740-G-A.
Other names: c.3011G>A, p.Cys1004Tyr (NM_001378761.1); short protein forms C685Y, C1004Y.
Identifiers: ClinVar variation 4995119 (VCV004995119.1).

ClinVar aggregate classification (germline): Uncertain significance (1 of 4 stars; one submission).

Conditions:
TECTA-related disorder. Also called: TECTA-related condition.

Submission:

PreventionGenetics, part of Exact Sciences
Classification: Uncertain significance for TECTA-related condition. Last evaluated: 2025-11-03. Review status: criteria provided, single submitter. Criteria: ACMG Guidelines, 2015. Collection method: clinical testing. Allele origin: germline.
Comment: The TECTA c.2054G>A variant is predicted to result in the amino acid substitution p.Cys685Tyr. To our knowledge, this variant has not been reported in the literature or in a large population database (gnomAD), indicating this variant is rare. At this time, the clinical significance of this variant is uncertain due to the absence of conclusive functional and genetic evidence.